The following is an entry in ClinVar:

NM_000132.4(F8):c.940A>G (p.Thr314Ala)

Gene: F8 (coagulation factor VIII; minus strand). Cytogenetic location: Xq28.
Variant type: single nucleotide variant.
Coding change: c.940A>G on transcript NM_000132.4 (MANE Select); coding-DNA position 940, A replaced by G.
Protein change: p.Thr314Ala; replaces threonine 314 with alanine.
Molecular consequence: missense variant.
Genome position (GRCh38, 1-based): chrX:154,969,400, T>C on the plus strand (A>G on the coding strand, the complement: F8 is on the minus strand). VCF-style: chrX-154969400-T-C. GRCh37 (hg19) VCF-style: chrX-154197675-T-C.
Other names: F8, THR314ALA; c.940A>G (NM_000132.3); short protein forms T314A.
Identifiers: ClinVar variation 10197 (VCV000010197.25), dbSNP rs137852406, ClinGen allele CA255084.
Genomic context (GRCh38, chrX:154,969,400, plus strand): 5'-GGGAAGAGATATGACAAAACAGTAGAAACTGTCCAAGGTCCATCAAGAGTGTTTGAGCAG[T>C]AAGGAAAGTTATTGGCGAGATTTCCAAGGACGCCTGGCGATGGTTCCTCACAAGAAATGT-3'
Protein context (NP_000123.1, residues 304-324): SLEISPITFL[Thr314Ala]AQTLLMDLGQ

ClinVar aggregate classification (germline): Pathogenic/Likely pathogenic. Review status: criteria provided, multiple submitters, no conflicts (2 of 4 stars). 7 submissions from 7 submitters: Pathogenic (3); Likely pathogenic (3). 1 of the submissions does not count toward it. Last evaluated 2026-09-23.

Conditions:
F8-related disorder. Also called: F8-related condition.
Hereditary factor VIII deficiency disease (HEMA). Also called: AUTOSOMAL HEMOPHILIA A; Hemophilia A, congenital; HEM A; Factor 8 deficiency, congenital; Hemophilia A; HEMOPHILIA, CLASSIC. Identifiers: Orphanet 98878, MedGen C0019069, MONDO:0010602, OMIM 306700.

Allele frequency attached by ClinVar (database versions not stated): gnomAD exomes below 0.00001 and 0.00001; TOPMed 0.00002.
gnomAD v4.1: 2 of 1,211,653 alleles (0.00017%); highest among the groups gnomAD compares: Non-Finnish European, 0.00022%; no homozygotes.

Submissions (7):

Clinical Genetics Laboratory, Skane University Hospital Lund
Classification: Likely pathogenic for Hereditary factor VIII deficiency disease. Last evaluated: 2026-09-23. Review status: criteria provided, single submitter. Criteria: ACMG Guidelines, 2015. Collection method: clinical testing. Allele origin: germline. Inheritance: X-linked inheritance. Affected: yes.
Comment: F8 (NM_000132.4) c.940A>G, p.(Thr314Ala) is a nucleotide substitution in exon 7 of 26 that results in an amino acid substitution as described above, which is predicted to be damaging to the protein. F8 c.940A>G has previously been reported as pathogenic/likely pathogenic in the ClinVar database (Accession: VCV000010197.22) and in the EAHAD database in patients with mild haemophilia A. The variant has been described in PMID: 36696222, 1924291, 18691168 (Table SII), 23711294 and 25382774. This variant has been associated with discrepant levels of FVIII activity (PMID: 32232366). F8 c.940A>G has been classified as likely pathogenic using gene-specific criteria (ClinGen Coagulation Factor Deficiency Expert Panel Specifications to the ACMG/AMP Variant Interpretation Guidelines for F8 Version 2.0.0): PS4_Very Strong, PP3.

PreventionGenetics, part of Exact Sciences
Classification: Pathogenic for F8-related condition. Last evaluated: 2025-12-21. Review status: criteria provided, single submitter. Criteria: ACMG Guidelines, 2015. Collection method: clinical testing. Allele origin: germline.
Comment: The F8 c.940A>G variant is predicted to result in the amino acid substitution p.Thr314Ala. This variant is alternatively referred to as p.Thr295Ala using legacy nomenclature. This variant has been reported in individuals with mild to moderate Hemophilia A (see for example: Higuchi et al. 1991. PubMed ID: 1924291; Markoff et al. 2009. PubMed ID: 19473423; Schwaab et al. 1995. PubMed ID: 8547094; Eckhardt et al. 2013. PubMed ID: 23926300). Alternate missense changes at the same amino acid position (p.Thr314Asn, p.Thr314Ile) have been reported in individuals with hemophilia (Miller. 2012. PubMed ID: 22103590; Markoff. 2009. PubMed ID: 19473423; Freson. 1998. PubMed ID: 9603440 ). This variant is reported in 0.0012% of alleles in individuals of European (Non-Finnish) descent in gnomAD. This variant is interpreted as pathogenic.

Mayo Clinic Laboratories, Mayo Clinic
Classification: Likely pathogenic. Last evaluated: 2024-10-22. Review status: criteria provided, single submitter. Criteria: ACMG Guidelines, 2015. Collection method: clinical testing. Allele origin: germline. Observed: 1 variant allele.
Comment: PP3, PP4, PM1_supporting, PM2_supporting, PS4_moderate

ARUP Laboratories, Molecular Genetics and Genomics, ARUP Laboratories
Classification: Pathogenic. Last evaluated: 2024-06-24. Review status: criteria provided, single submitter. Criteria: ARUP Molecular Germline Variant Investigation Process 2024. Collection method: clinical testing. Allele origin: germline.
Comment: The F8 c.940A>G; p.Thr314Ala variant (rs137852406, ClinVar Variation ID: 10197), also known as Thr295Ala in traditional nomenclature, is reported in the literature in individuals affected with mild-moderate hemophilia A (Markoff 2009, see F8 database and references therein). This variant is only observed on one allele in the Genome Aggregation Database (v2.1.1), indicating it is not a common polymorphism. Additionally, other variants at this codon (c.941C>T, p.Thr314Ile) have been reported in individuals with moderate hemophilia A (see F8 database and references therein) and are considered to be disease causing. Computational analyses predict that this variant is deleterious (REVEL: 0.907). Based on available information, this variant is considered to be pathogenic. References: F8 databse: Markoff A et al. Combined homology modelling and evolutionary significance evaluation of missense mutations in blood clotting factor VIII to highlight aspects of structure and function. Haemophilia. 2009 Jul;15(4):932-41. PMID: 19473423.

CeGaT Center for Human Genetics Tuebingen
Classification: Likely pathogenic. Last evaluated: 2024-06-01. Review status: criteria provided, single submitter. Criteria: CeGaT Center For Human Genetics Tuebingen Variant Classification Criteria Version 2. Collection method: clinical testing. Allele origin: germline. Affected: yes. Observed: 1 variant allele.
Comment: F8: PM1, PM2, PS4:Moderate

Women's Health and Genetics/Laboratory Corporation of America, LabCorp
Classification: Pathogenic for Hereditary factor VIII deficiency disease. Last evaluated: 2024-02-20. Review status: criteria provided, single submitter. Criteria: LabCorp Variant Classification Summary - May 2015. Collection method: clinical testing. Allele origin: germline.
Comment: Variant summary: F8 c.940A>G (p.Thr314Ala) results in a non-conservative amino acid change in the encoded protein sequence. Five of five in-silico tools predict a damaging effect of the variant on protein function. The variant allele was found at a frequency of 5.5e-06 in 183340 control chromosomes (gnomAD). c.940A>G has been reported in the literature in multiple individuals affected with Factor VIII Deficiency (Hemophilia A; e.g. Higughi_1991b, Schwaab_1995, Eckhardt_2013). These data indicate that the variant is very likely to be associated with disease. The following publications have been ascertained in the context of this evaluation (PMID: 1924291, 8547094, 23926300). ClinVar contains an entry for this variant (Variation ID: 10197). Based on the evidence outlined above, the variant was classified as pathogenic.

OMIM
Classification: Pathogenic for HEMOPHILIA A. Last evaluated: 1991-10-01. Review status: no assertion criteria provided. Collection method: literature only. Allele origin: germline. Not counted in ClinVar's aggregate classification.

Literature cited by the submitters: PubMed 36696222 (cited by Clinical Genetics Laboratory, Skane University Hospital Lund and Mayo Clinic Laboratories, Mayo Clinic); PubMed 1924291 (cited by 4 submitters); PubMed 18691168 (cited by Clinical Genetics Laboratory, Skane University Hospital Lund and Mayo Clinic Laboratories, Mayo Clinic); PubMed 23711294 (cited by Clinical Genetics Laboratory, Skane University Hospital Lund and Mayo Clinic Laboratories, Mayo Clinic); PubMed 25382774 (cited by Clinical Genetics Laboratory, Skane University Hospital Lund and Mayo Clinic Laboratories, Mayo Clinic); PubMed 32232366 (cited by Clinical Genetics Laboratory, Skane University Hospital Lund and Mayo Clinic Laboratories, Mayo Clinic); PubMed 19473423 (cited by Mayo Clinic Laboratories, Mayo Clinic); PubMed 23306409 (cited by Mayo Clinic Laboratories, Mayo Clinic); PubMed 24452774 (cited by Mayo Clinic Laboratories, Mayo Clinic); PubMed 25244644 (cited by Mayo Clinic Laboratories, Mayo Clinic); PubMed 31267011 (cited by Mayo Clinic Laboratories, Mayo Clinic); PubMed 36934798 (cited by Mayo Clinic Laboratories, Mayo Clinic); PubMed 23926300 (cited by Women's Health and Genetics/Laboratory Corporation of America, LabCorp); PubMed 8547094 (cited by Women's Health and Genetics/Laboratory Corporation of America, LabCorp); PubMed 6438527 (cited by OMIM).